The following is an entry in ClinVar:

ClinVar aggregate classification (germline): Uncertain significance (1 of 4 stars; one submission).

gnomAD v4.1: 102 of 1,612,294 alleles (0.0063%); highest among the groups gnomAD compares: Non-Finnish European, 0.0077%; no homozygotes.

Submission:

GeneDx
Classification: Uncertain significance. Last evaluated: 2026-02-26. Review status: criteria provided, single submitter. Criteria: GeneDx Variant Classification Process June 2021. Collection method: clinical testing. Allele origin: germline.
Comment: Not observed at significant frequency in large population cohorts (gnomAD); Has not been previously published as pathogenic or benign to our knowledge; Nonsense variant predicted to result in protein truncation as the last 3 amino acid(s) are lost with an unclear effect on protein function

NM_014165.4(NDUFAF4):c.517C>T (p.Arg173Ter)

Gene: NDUFAF4 (NADH:ubiquinone oxidoreductase complex assembly factor 4; minus strand). Cytogenetic location: 6q16.1.
Variant type: single nucleotide variant.
Coding change: c.517C>T on transcript NM_014165.4 (MANE Select); coding-DNA position 517, C replaced by T.
Protein change: p.Arg173Ter; replaces arginine 173 with a stop codon.
Molecular consequence: nonsense.
Genome position (GRCh38, 1-based): chr6:96,891,115, G>A on the plus strand (C>T on the coding strand, the complement: NDUFAF4 is on the minus strand). VCF-style: chr6-96891115-G-A. GRCh37 (hg19) VCF-style: chr6-97338991-G-A.
Other names: short protein forms R173*.
Identifiers: ClinVar variation 5008139 (VCV005008139.1).
Genomic context (GRCh38, chr6:96,891,115, plus strand): 5'-TACAGCAGGAGGGATGAGGAGTACACATAGGAAATTTCTGTGATTTTCTTCATTTTGATC[G>A]TATTGCTTTCTTGTCTTCAGGAGGGAAGATTTCGACTTCAAAAGTAACAAAATATTTAAG-3'